The following is an entry in ClinVar:

ClinVar aggregate classification (germline): Uncertain significance (1 of 4 stars; one submission).

Allele frequency attached by ClinVar (database versions not stated): gnomAD exomes below 0.00001; ExAC 0.00001.
gnomAD v4.1: 1 of 1,613,346 alleles (0.000062%); highest among the groups gnomAD compares: Non-Finnish European, 0.000085%; no homozygotes.

Submission:

Laboratory for Molecular Medicine, Mass General Brigham Personalized Medicine
Classification: Uncertain significance. Last evaluated: 2018-07-05. Review status: criteria provided, single submitter. Criteria: LMM Criteria. Collection method: clinical testing. Allele origin: germline. Observed: 1 variant allele.
Comment: The p.Asp1662His variant in DNAH11 has not been previously reported in individua ls with primary ciliary dyskinesia, but has been identified in 1/111064 European chromosomes by the Genome Aggregation Database (gnomAD). Computational prediction tools and conservation analysis suggest tha t the p.Asp1662His variant may not impact the protein, though this information i s not predictive enough to rule out pathogenicity. In summary, the clinical sign ificance of the p.Asp1662His variant is uncertain. ACMG/AMP criteria applied: PM 2, BP4.

NM_001277115.2(DNAH11):c.4984G>C (p.Asp1662His)

Gene: DNAH11 (dynein axonemal heavy chain 11; plus strand). Cytogenetic location: 7p15.3.
Variant type: single nucleotide variant.
Coding change: c.4984G>C on transcript NM_001277115.2 (MANE Select); coding-DNA position 4984, G replaced by C.
Protein change: p.Asp1662His; replaces aspartic acid 1662 with histidine.
Molecular consequence: missense variant.
Genome position (GRCh38, 1-based): chr7:21,655,871, G>C. VCF-style: chr7-21655871-G-C. GRCh37 (hg19) VCF-style: chr7-21695489-G-C.
Other names: short protein forms D1662H.
Identifiers: ClinVar variation 666823 (VCV000666823.4), dbSNP rs778565448, ClinGen allele CA4180261.